The following is an entry in ClinVar:

ClinVar aggregate classification (germline): Uncertain significance (1 of 4 stars; one submission).

Conditions:
Atypical hemolytic-uremic syndrome. Identifiers: Orphanet 2134, MedGen C2931788, MONDO:0016244.

Submission:

Genomenon, Inc
Classification: Uncertain significance for Atypical hemolytic-uremic syndrome. Last evaluated: 2025-10-02. Review status: criteria provided, single submitter. Criteria: Genomenon Sequence Variant Interpretation Standards - Updated. Collection method: curation. Allele origin: germline. Affected: yes.
Comment: CFH p.Glu1198Ala (c.3593A>C) is a missense variant that changes the amino acid at residue 1198 from Glutamic acid to Alanine. This variant has been observed in at least one proband affected with atypical hemolytic-uremic syndrome (PMID:14583443;24853860). Functional studies have been reported (PMID:19351878;27006390;26728463;25659429;24344133). It is absent or not present at a significant frequency in gnomAD. In conclusion, we classify CFH p.Glu1198Ala (c.3593A>C) as a variant of uncertain significance.

Literature cited by the submitters: PubMed 14583443; PubMed 24853860; PubMed 19351878; PubMed 27006390; PubMed 26728463; PubMed 25659429; PubMed 24344133.

NM_000186.4(CFH):c.3593A>C (p.Glu1198Ala)

Gene: CFH (complement factor H; plus strand). Cytogenetic location: 1q31.3.
Variant type: single nucleotide variant.
Coding change: c.3593A>C on transcript NM_000186.4 (MANE Select); coding-DNA position 3593, A replaced by C.
Protein change: p.Glu1198Ala; replaces glutamic acid 1198 with alanine.
Molecular consequence: missense variant.
Genome position (GRCh38, 1-based): chr1:196,747,210, A>C. VCF-style: chr1-196747210-A-C. GRCh37 (hg19) VCF-style: chr1-196716340-A-C.
Other names: short protein forms E1198A.
Identifiers: ClinVar variation 4291621 (VCV004291621.1).